The following is an entry in ClinVar:

ClinVar aggregate classification (germline): Uncertain significance (1 of 4 stars; one submission).

Allele frequency attached by ClinVar (database versions not stated): gnomAD exomes below 0.00001 and 0.00001; ExAC 0.00001; gnomAD 0.00001.
gnomAD v4.1: 4 of 1,613,262 alleles (0.00025%); highest among the groups gnomAD compares: Admixed American, 0.005%; no homozygotes.

Submission:

Labcorp Genetics (formerly Invitae), Labcorp
Classification: Uncertain significance. Last evaluated: 2025-10-17. Review status: criteria provided, single submitter. Criteria: Invitae Variant Classification Sherloc (09022015). Collection method: clinical testing. Allele origin: germline.
Comment: This sequence change replaces valine, which is neutral and non-polar, with glycine, which is neutral and non-polar, at codon 530 of the ITGAM protein (p.Val530Gly). This variant is present in population databases (rs749113381, gnomAD 0.006%). This variant has not been reported in the literature in individuals affected with ITGAM-related conditions. ClinVar contains an entry for this variant (Variation ID: 1502950). An algorithm developed to predict the effect of missense changes on protein structure and function (PolyPhen-2) suggests that this variant is likely to be disruptive. In summary, the available evidence is currently insufficient to determine the role of this variant in disease. Therefore, it has been classified as a Variant of Uncertain Significance.

NM_000632.4(ITGAM):c.1589T>G (p.Val530Gly)

Gene: ITGAM (integrin subunit alpha M; plus strand). Cytogenetic location: 16p11.2.
Variant type: single nucleotide variant.
Coding change: c.1589T>G on transcript NM_000632.4 (MANE Select); coding-DNA position 1589, T replaced by G.
Protein change: p.Val530Gly; replaces valine 530 with glycine.
Molecular consequence: missense variant.
Genome position (GRCh38, 1-based): chr16:31,297,836, T>G. VCF-style: chr16-31297836-T-G. GRCh37 (hg19) VCF-style: chr16-31309157-T-G.
Other names: c.1592T>G, p.Val531Gly (NM_001145808.2); short protein forms V530G, V531G.
Identifiers: ClinVar variation 1502950 (VCV001502950.8), dbSNP rs749113381, ClinGen allele CA8025608.
Genomic context (GRCh38, chr16:31,297,836, plus strand): 5'-ACGGGGAGCAGGGCCAACCCTGGGGCCGCTTTGGGGCAGCCCTAACAGTGCTGGGGGACG[T>G]AAATGGGGACAAGCTGACGGACGTGGCCATTGGGGCCCCAGGAGAGGAGGACAACCGGGG-3'
Protein context (NP_000623.2, residues 520-540): FGAALTVLGD[Val530Gly]NGDKLTDVAI